The following is an entry in ClinVar:

NM_001161352.2(KCNMA1):c.2701A>C (p.Ile901Leu)

Genes: KCNMA1-AS1 (KCNMA1 antisense RNA 1; plus strand), KCNMA1 (potassium calcium-activated channel subfamily M alpha 1; minus strand). Cytogenetic location: 10q22.3.
Variant type: single nucleotide variant.
Coding change: c.2701A>C on transcript NM_001161352.2 (MANE Select); coding-DNA position 2701, A replaced by C.
Protein change: p.Ile901Leu; replaces isoleucine 901 with leucine.
Molecular consequence: missense variant.
Genome position (GRCh38, 1-based): chr10:76,949,150, T>G on the plus strand (A>C on the coding strand, the complement: KCNMA1 is on the minus strand). VCF-style: chr10-76949150-T-G. GRCh37 (hg19) VCF-style: chr10-78708908-T-G.
Other names: c.2539A>C, p.Ile847Leu (NM_001014797.3, NM_001322835.2, NM_001322837.2); c.2650A>C, p.Ile884Leu (NM_001161353.2); c.2377A>C, p.Ile793Leu (NM_001271518.2); c.2536A>C, p.Ile846Leu (NM_001271519.2, NM_001322829.2, NM_001322836.2); c.2548A>C, p.Ile850Leu (NM_001322830.2); c.2527A>C, p.Ile843Leu (NM_001322832.2, NM_002247.4); c.2074A>C, p.Ile692Leu (NM_001322838.2); short protein forms I692L, I850L, I843L, I846L, I884L, I793L, I847L, I901L.
Identifiers: ClinVar variation 1392733 (VCV001392733.8), dbSNP rs762661695, ClinGen allele CA5568017.

ClinVar aggregate classification (germline): Uncertain significance (1 of 4 stars; one submission).

Conditions:
Generalized epilepsy-paroxysmal dyskinesia syndrome (PNKD3). Also called: Generalized epilepsy and paroxysmal dyskinesia; Paroxysmal nonkinesigenic dyskinesia, 3, with or without generalized epilepsy. Identifiers: Orphanet 79137, MedGen C5574945, MONDO:0012276, OMIM 609446.

Allele frequency attached by ClinVar (database versions not stated): gnomAD exomes below 0.00001; ExAC 0.00001.
gnomAD v4.1: 1 of 1,612,752 alleles (0.000062%); highest among the groups gnomAD compares: Non-Finnish European, 0.000085%; no homozygotes.

Submission:

Labcorp Genetics (formerly Invitae), Labcorp
Classification: Uncertain significance for Generalized epilepsy-paroxysmal dyskinesia syndrome. Last evaluated: 2022-09-07. Review status: criteria provided, single submitter. Criteria: Invitae Variant Classification Sherloc (09022015). Collection method: clinical testing. Allele origin: germline.
Comment: This sequence change replaces isoleucine, which is neutral and non-polar, with leucine, which is neutral and non-polar, at codon 843 of the KCNMA1 protein (p.Ile843Leu). This variant is present in population databases (rs762661695, gnomAD 0.0009%). This variant has not been reported in the literature in individuals affected with KCNMA1-related conditions. ClinVar contains an entry for this variant (Variation ID: 1392733). Algorithms developed to predict the effect of missense changes on protein structure and function are either unavailable or do not agree on the potential impact of this missense change (SIFT: "Deleterious"; PolyPhen-2: "Possibly Damaging"; Align-GVGD: "Class C0"). In summary, the available evidence is currently insufficient to determine the role of this variant in disease. Therefore, it has been classified as a Variant of Uncertain Significance.